The following is an entry in ClinVar:

NM_004360.5(CDH1):c.807del (p.Ser270fs)

Gene: CDH1 (cadherin 1; plus strand). Cytogenetic location: 16q22.1.
Variant type: Deletion.
Coding change: c.807del on transcript NM_004360.5 (MANE Select); coding-DNA position 807, one base deleted (G; older notation c.807delG).
Protein change: p.Ser270fs; shifts the reading frame from serine 270.
Molecular consequence: frameshift variant. On other transcripts: 5 prime UTR variant (2).
Genome position (GRCh38, 1-based): chr16:68,810,316, G deleted; the last of 4 consecutive G bases (chr16:68,810,313-68,810,316); deleting any one gives the same sequence. VCF-style (leftmost placement, unchanged base first): chr16-68810312-AG-A. GRCh37 (hg19) VCF-style: chr16-68844215-AG-A.
Other names: c.807del, p.Ser270fs (NM_001317184.2); c.-809del (NM_001317185.2); c.-1013del (NM_001317186.2); short protein forms S270fs.
Identifiers: ClinVar variation 1761900 (VCV001761900.2), dbSNP rs2543919299, ClinGen allele CA2580092006.
Genomic context (GRCh38, chr16:68,810,312, plus strand): 5'-TTTTGATCACGGTAACCGATCAGAATGACAACAAGCCCGAATTCACCCAGGAGGTCTTTA[AG>A]GGGTCTGTCATGGAAGGTGCTCTTCCAGGTATATCCACTAATGAGAATCTGAATACTCAG-3'

ClinVar aggregate classification (germline): Pathogenic (1 of 4 stars; one submission).

Conditions:
Hereditary cancer-predisposing syndrome. Also called: Neoplastic Syndromes, Hereditary; Tumor predisposition; Hereditary Cancer Syndrome; Hereditary neoplastic syndrome. Identifiers: Orphanet 140162, MedGen C0027672, MeSH D009386, MONDO:0015356.

Submission:

Ambry Genetics
Classification: Pathogenic for Hereditary cancer-predisposing syndrome. Last evaluated: 2017-10-13. Review status: criteria provided, single submitter. Criteria: Ambry Variant Classification Scheme 2023. Collection method: clinical testing. Allele origin: germline.
Comment: The c.807delG pathogenic mutation, located in coding exon 6 of the CDH1 gene, results from a deletion of one nucleotide at nucleotide position 807, causing a translational frameshift with a predicted alternate stop codon (p.S270Lfs*12). This alteration is expected to result in loss of function by premature protein truncation or nonsense-mediated mRNA decay. As such, this alteration is interpreted as a disease-causing mutation.